The following is an entry in ClinVar:

NM_022455.5(NSD1):c.6361T>G (p.Cys2121Gly)

Gene: NSD1 (nuclear receptor binding SET domain protein 1; plus strand). Cytogenetic location: 5q35.3.
Variant type: single nucleotide variant.
Coding change: c.6361T>G on transcript NM_022455.5 (MANE Select); coding-DNA position 6361, T replaced by G.
Protein change: p.Cys2121Gly; replaces cysteine 2121 with glycine.
Molecular consequence: missense variant.
Genome position (GRCh38, 1-based): chr5:177,292,056, T>G. VCF-style: chr5-177292056-T-G. GRCh37 (hg19) VCF-style: chr5-176719057-T-G.
Other names: c.5488T>G, p.Cys1830Gly (NM_001365684.2, NM_001409308.1, NM_172349.5); c.6361T>G, p.Cys2121Gly (NM_001409301.1, NM_001409302.1, NM_001409303.1); c.5941T>G, p.Cys1981Gly (NM_001409304.1); c.5608T>G, p.Cys1870Gly (NM_001409305.1); c.5599T>G, p.Cys1867Gly (NM_001409306.1, NM_001409307.1); c.5239T>G, p.Cys1747Gly (NM_001409309.1); short protein forms C1747G, C1830G, C1867G, C1870G, C1981G, C2121G.
Identifiers: ClinVar variation 4887881 (VCV004887881.1).

ClinVar aggregate classification (germline): Likely pathogenic (1 of 4 stars; one submission).

Submission:

GeneDx
Classification: Likely pathogenic. Last evaluated: 2026-02-18. Review status: criteria provided, single submitter. Criteria: GeneDx Variant Classification Process June 2021. Collection method: clinical testing. Allele origin: germline.
Comment: Not observed at significant frequency in large population cohorts (gnomAD); In silico analysis supports that this missense variant has a deleterious effect on protein structure/function; This variant is associated with the following publications: (PMID: 28475857)